The following is an entry in ClinVar:

ClinVar aggregate classification (germline): Uncertain significance. Review status: criteria provided, single submitter (1 of 4 stars). 2 submissions from 2 submitters: Uncertain significance (1). 1 of the submissions does not count toward it. Last evaluated 2025-11-28.

Conditions:
PKD1-related disorder. Also called: PKD1-related condition.

gnomAD v4.1: 18 of 1,599,712 alleles (0.0011%); highest among the groups gnomAD compares: Admixed American, 0.024%; no homozygotes.

Submissions (2):

Women's Health and Genetics/Laboratory Corporation of America, LabCorp
Classification: Uncertain significance. Last evaluated: 2025-11-28. Review status: criteria provided, single submitter. Criteria: LabCorp Variant Classification Summary - May 2015. Collection method: clinical testing. Allele origin: germline.
Comment: Variant summary: PKD1 c.12517C>T (p.Pro4173Ser) results in a non-conservative amino acid change in the encoded protein sequence. Algorithms developed to predict the effect of missense changes on protein structure and function are either unavailable or do not agree on the potential impact of this missense change. The variant allele was found at a frequency of 4.6e-05 in 237336 control chromosomes. This frequency is not significantly higher than estimated for disease-causing variants in PKD1, allowing no conclusion about variant significance. To our knowledge, no occurrence of c.12517C>T in individuals affected with PKD1-related conditions and no experimental evidence demonstrating its impact on protein function have been reported. ClinVar contains an entry for this variant (Variation ID: 2630104). Based on the evidence outlined above, the variant was classified as uncertain significance.

PreventionGenetics, part of Exact Sciences
Classification: Uncertain significance for PKD1-related condition. Last evaluated: 2023-12-15. Review status: no assertion criteria provided. Collection method: clinical testing. Allele origin: germline. Not counted in ClinVar's aggregate classification.
Comment: The PKD1 c.12517C>T variant is predicted to result in the amino acid substitution p.Pro4173Ser. To our knowledge, this variant has not been reported in the literature. This variant is reported in 0.029% of alleles in individuals of Latino descent in gnomAD. At this time, the clinical significance of this variant is uncertain due to the absence of conclusive functional and genetic evidence.

NM_001009944.3(PKD1):c.12517C>T (p.Pro4173Ser)

Gene: PKD1 (polycystin 1, transient receptor potential channel interacting; minus strand). Cytogenetic location: 16p13.3.
Variant type: single nucleotide variant.
Coding change: c.12517C>T on transcript NM_001009944.3 (MANE Select); coding-DNA position 12517, C replaced by T.
Protein change: p.Pro4173Ser; replaces proline 4173 with serine.
Molecular consequence: missense variant.
Genome position (GRCh38, 1-based): chr16:2,090,122, G>A on the plus strand (C>T on the coding strand, the complement: PKD1 is on the minus strand). VCF-style: chr16-2090122-G-A. GRCh37 (hg19) VCF-style: chr16-2140123-G-A.
Other names: c.12514C>T, p.Pro4172Ser (NM_000296.4); short protein forms P4172S, P4173S.
Identifiers: ClinVar variation 2630104 (VCV002630104.4), dbSNP rs747648573, ClinGen allele CA7828560.